The following is an entry in ClinVar:

NM_001375524.1(TRRAP):c.7967C>T (p.Ala2656Val)

Gene: TRRAP (transformation/transcription domain associated protein; plus strand). Cytogenetic location: 7q22.1.
Variant type: single nucleotide variant.
Coding change: c.7967C>T on transcript NM_001375524.1 (MANE Select); coding-DNA position 7967, C replaced by T.
Protein change: p.Ala2656Val; replaces alanine 2656 with valine.
Molecular consequence: missense variant.
Genome position (GRCh38, 1-based): chr7:98,976,490, C>T. VCF-style: chr7-98976490-C-T. GRCh37 (hg19) VCF-style: chr7-98574113-C-T.
Other names: c.7946C>T (NM_001244580.1); c.7946C>T, p.Ala2649Val (NM_001244580.2); c.7892C>T, p.Ala2631Val (NM_003496.4); short protein forms A2631V, A2656V, A2649V.
Identifiers: ClinVar variation 2067911 (VCV002067911.11), dbSNP rs763483913, ClinGen allele CA4361302.

ClinVar aggregate classification (germline): Conflicting classifications of pathogenicity. Review status: criteria provided, conflicting classifications (1 of 4 stars). 3 submissions from 3 submitters: Uncertain significance (1); Likely benign (2). Last evaluated 2025-02-01.

Conditions:
Inborn genetic diseases. Identifiers: MedGen C0950123, MeSH D030342.

Allele frequency attached by ClinVar (database versions not stated): gnomAD 0.00001; ExAC 0.00002; TOPMed 0.00002.
gnomAD v4.1: 14 of 1,607,736 alleles (0.00087%); highest among the groups gnomAD compares: Admixed American, 0.01%; no homozygotes.

Submissions (3):

CeGaT Center for Human Genetics Tuebingen
Classification: Likely benign. Last evaluated: 2025-02-01. Review status: criteria provided, single submitter. Criteria: CeGaT Center For Human Genetics Tuebingen Variant Classification Criteria Version 2. Collection method: clinical testing. Allele origin: germline. Affected: yes. Observed: 1 variant allele.
Comment: TRRAP: BS2

Ambry Genetics
Classification: Likely benign for Inborn genetic diseases. Last evaluated: 2024-10-19. Review status: criteria provided, single submitter. Criteria: Ambry Variant Classification Scheme 2023. Collection method: clinical testing. Allele origin: germline.

Labcorp Genetics (formerly Invitae), Labcorp
Classification: Uncertain significance. Last evaluated: 2023-08-02. Review status: criteria provided, single submitter. Criteria: Invitae Variant Classification Sherloc (09022015). Collection method: clinical testing. Allele origin: germline.
Comment: This sequence change replaces alanine, which is neutral and non-polar, with valine, which is neutral and non-polar, at codon 2631 of the TRRAP protein (p.Ala2631Val). This variant is present in population databases (rs763483913, gnomAD 0.01%). This variant has not been reported in the literature in individuals affected with TRRAP-related conditions. ClinVar contains an entry for this variant (Variation ID: 2067911). Advanced modeling of protein sequence and biophysical properties (such as structural, functional, and spatial information, amino acid conservation, physicochemical variation, residue mobility, and thermodynamic stability) performed at Invitae indicates that this missense variant is not expected to disrupt TRRAP protein function. In summary, the available evidence is currently insufficient to determine the role of this variant in disease. Therefore, it has been classified as a Variant of Uncertain Significance.